The following is an entry in ClinVar:

NM_005909.5(MAP1B):c.1066G>A (p.Val356Ile)

Gene: MAP1B (microtubule associated protein 1B; plus strand). Cytogenetic location: 5q13.2.
Variant type: single nucleotide variant.
Coding change: c.1066G>A on transcript NM_005909.5 (MANE Select); coding-DNA position 1066, G replaced by A.
Protein change: p.Val356Ile; replaces valine 356 with isoleucine.
Molecular consequence: missense variant.
Genome position (GRCh38, 1-based): chr5:72,194,421, G>A. VCF-style: chr5-72194421-G-A. GRCh37 (hg19) VCF-style: chr5-71490248-G-A.
Other names: c.688G>A, p.Val230Ile (NM_001324255.2); short protein forms V230I, V356I.
Identifiers: ClinVar variation 4872145 (VCV004872145.2).

ClinVar aggregate classification (germline): Likely benign (1 of 4 stars; one submission).

gnomAD v4.1: 66 of 1,614,112 alleles (0.0041%); highest among the groups gnomAD compares: South Asian, 0.035%; 1 homozygote.

Submission:

CeGaT Center for Human Genetics Tuebingen
Classification: Likely benign. Last evaluated: 2026-06-01. Review status: criteria provided, single submitter. Criteria: CeGaT Center For Human Genetics Tuebingen Variant Classification Criteria Version 2. Collection method: clinical testing. Allele origin: germline. Affected: yes. Observed: 1 variant allele.
Comment: MAP1B: BP4